The following is an entry in ClinVar:

NM_001355436.2(SPTB):c.6023-1G>A

Gene: SPTB (spectrin beta, erythrocytic; minus strand). Cytogenetic location: 14q23.3.
Variant type: single nucleotide variant.
Coding change: c.6023-1G>A on transcript NM_001355436.2 (MANE Select); the canonical splice acceptor site of the intron before coding-DNA position 6023, G replaced by A.
Molecular consequence: splice acceptor variant.
Genome position (GRCh38, 1-based): chr14:64,767,860, C>T on the plus strand (G>A on the coding strand, the complement: SPTB is on the minus strand). VCF-style: chr14-64767860-C-T. GRCh37 (hg19) VCF-style: chr14-65234578-C-T.
Other names: c.6023-1G>A (NM_001024858.4, NM_001355437.2).
Identifiers: ClinVar variation 4714184 (VCV004714184.1).

ClinVar aggregate classification (germline): Likely pathogenic (1 of 4 stars; one submission).

Submission:

Labcorp Genetics (formerly Invitae), Labcorp
Classification: Likely pathogenic. Last evaluated: 2025-09-03. Review status: criteria provided, single submitter. Criteria: Invitae Variant Classification Sherloc (09022015). Collection method: clinical testing. Allele origin: germline.
Comment: This sequence change affects an acceptor splice site in intron 28 of the SPTB gene. It is expected to disrupt RNA splicing. Variants that disrupt the donor or acceptor splice site typically lead to a loss of protein function (PMID: 16199547), and loss-of-function variants in SPTB are known to be pathogenic (PMID: 1391962, 1498324, 8844207, 26830532, 27292444). This variant is not present in population databases (gnomAD no frequency). This variant has not been reported in the literature in individuals affected with SPTB-related conditions. Algorithms developed to predict the effect of sequence changes on RNA splicing suggest that this variant may disrupt the consensus splice site. In summary, the currently available evidence indicates that the variant is pathogenic, but additional data are needed to prove that conclusively. Therefore, this variant has been classified as Likely Pathogenic.

Literature cited by the submitters: PubMed 16199547; PubMed 1391962; PubMed 1498324; PubMed 8844207; PubMed 26830532; PubMed 27292444.